The following is an entry in ClinVar:

NM_004565.3(PEX14):c.450C>G (p.Ala150=)

Gene: PEX14 (peroxisomal biogenesis factor 14; plus strand). Cytogenetic location: 1p36.22.
Variant type: single nucleotide variant.
Coding change: c.450C>G on transcript NM_004565.3 (MANE Select); coding-DNA position 450, C replaced by G.
Protein change: p.Ala150=; no amino-acid change (alanine 150 retained).
Molecular consequence: synonymous variant.
Genome position (GRCh38, 1-based): chr1:10,623,084, C>G. VCF-style: chr1-10623084-C-G. GRCh37 (hg19) VCF-style: chr1-10683141-C-G.
Other names: c.450C>G (NM_004565.2).
Identifiers: ClinVar variation 2893748 (VCV002893748.5), dbSNP rs765794942, ClinGen allele CA415885800.
Genomic context (GRCh38, chr1:10,623,084, plus strand): 5'-CCTGCTCCCCCTCATCCTGGGCGGCCGAGAGGACAGAAAGCAGCTGGAGAGGATGGAGGC[C>G]GGTCTCTCTGAGCTGAGTGGCAGCGTGGCCCAGACAGGTAAAGATTAATGACTCCATCAA-3'
Protein context (NP_004556.1, residues 140-160): EDRKQLERME[Ala150=]GLSELSGSVA

ClinVar aggregate classification (germline): Likely benign. Review status: criteria provided, single submitter (1 of 4 stars). 2 submissions from 2 submitters: Likely benign (1). 1 of the submissions does not count toward it. Last evaluated 2024-04-27.

Conditions:
PEX14-related disorder. Also called: PEX14-related condition.
Peroxisome biogenesis disorder, complementation group K (CGK). Identifiers: MedGen C1866257, MONDO:0800365.

gnomAD v4.1: 1 of 1,613,836 alleles (0.000062%); highest among the groups gnomAD compares: Non-Finnish European, 0.000085%; no homozygotes.

Submissions (2):

Labcorp Genetics (formerly Invitae), Labcorp
Classification: Likely benign for Peroxisome biogenesis disorder, complementation group K. Last evaluated: 2024-04-27. Review status: criteria provided, single submitter. Criteria: Invitae Variant Classification Sherloc (09022015). Collection method: clinical testing. Allele origin: germline.

PreventionGenetics, part of Exact Sciences
Classification: Likely benign for PEX14-related condition. Last evaluated: 2022-01-11. Review status: no assertion criteria provided. Collection method: clinical testing. Allele origin: germline. Not counted in ClinVar's aggregate classification.
Comment: This variant is classified as likely benign based on ACMG/AMP sequence variant interpretation guidelines (Richards et al. 2015 PMID: 25741868, with internal and published modifications).